The following is an entry in ClinVar:

ClinVar aggregate classification (germline): Uncertain significance (1 of 4 stars; one submission).

Conditions:
Neuropathy, hereditary sensory, type 2C. Also called: KIF1A-Related HSAN2 (HSAN2C); Hereditary sensory and autonomic neuropathy type IIC. Identifiers: Orphanet 970, MedGen C3280168, MONDO:0013634, OMIM 614213.
Hereditary spastic paraplegia 30. Identifiers: Orphanet 101010, MedGen C5235139, MONDO:0012476.
Intellectual disability, autosomal dominant 9 (NESCAVS). Also called: KIF1A-Related Neurodevelopmental Disorder; NESCAV SYNDROME. Identifiers: Orphanet 662367, MedGen C5393830, MONDO:0013656, OMIM 614255.

gnomAD v4.1: 2 of 1,599,206 alleles (0.00013%); highest among the groups gnomAD compares: Non-Finnish European, 0.00017%; no homozygotes.

Submission:

Labcorp Genetics (formerly Invitae), Labcorp
Classification: Uncertain significance for Hereditary spastic paraplegia 30; Neuropathy, hereditary sensory, type 2C; Intellectual disability, autosomal dominant 9. Last evaluated: 2025-06-01. Review status: criteria provided, single submitter. Criteria: Invitae Variant Classification Sherloc (09022015). Collection method: clinical testing. Allele origin: germline.
Comment: This sequence change replaces valine, which is neutral and non-polar, with glycine, which is neutral and non-polar, at codon 953 of the KIF1A protein (p.Val953Gly). This variant is not present in population databases (gnomAD no frequency). This variant has not been reported in the literature in individuals affected with KIF1A-related conditions. Invitae Evidence Modeling of protein sequence and biophysical properties (such as structural, functional, and spatial information, amino acid conservation, physicochemical variation, residue mobility, and thermodynamic stability) indicates that this missense variant is not expected to disrupt KIF1A protein function with a negative predictive value of 95%. In summary, the available evidence is currently insufficient to determine the role of this variant in disease. Therefore, it has been classified as a Variant of Uncertain Significance.

NM_001244008.2(KIF1A):c.3161T>G (p.Val1054Gly)

Gene: KIF1A (kinesin family member 1A; minus strand). Cytogenetic location: 2q37.3.
Variant type: single nucleotide variant.
Coding change: c.3161T>G on transcript NM_001244008.2 (MANE Select); coding-DNA position 3161, T replaced by G.
Protein change: p.Val1054Gly; replaces valine 1054 with glycine.
Molecular consequence: missense variant.
Genome position (GRCh38, 1-based): chr2:240,746,080, A>C on the plus strand (T>G on the coding strand, the complement: KIF1A is on the minus strand). VCF-style: chr2-240746080-A-C. GRCh37 (hg19) VCF-style: chr2-241685497-A-C.
Other names: c.2885T>G, p.Val962Gly (NM_001320705.2, NM_001330289.2, NM_001379638.1); c.2960T>G, p.Val987Gly (NM_001330290.2, NM_001379634.1, NM_001379635.1 and 1 more transcripts); c.3236T>G, p.Val1079Gly (NM_001379631.1); c.3110T>G, p.Val1037Gly (NM_001379632.1); c.3134T>G, p.Val1045Gly (NM_001379633.1, NM_001379642.1, NM_001379645.1); c.2858T>G, p.Val953Gly (NM_001379636.1, NM_001379639.1, NM_001379640.1 and 6 more transcripts); c.2933T>G, p.Val978Gly (NM_001379637.1, NM_001379648.1); short protein forms V1037G, V1045G, V953G, V1079G, V962G, V978G, V1054G, V987G.
Identifiers: ClinVar variation 4789376 (VCV004789376.1).